The following is an entry in ClinVar:

NM_016363.5(GP6):c.784C>T (p.Arg262Cys)

Gene: GP6 (glycoprotein VI platelet; minus strand). Cytogenetic location: 19q13.42.
Variant type: single nucleotide variant.
Coding change: c.784C>T on transcript NM_016363.5 (MANE Select); coding-DNA position 784, C replaced by T.
Protein change: p.Arg262Cys; replaces arginine 262 with cysteine.
Molecular consequence: missense variant.
Genome position (GRCh38, 1-based): chr19:55,015,157, G>A on the plus strand (C>T on the coding strand, the complement: GP6 is on the minus strand). VCF-style: chr19-55015157-G-A. GRCh37 (hg19) VCF-style: chr19-55526525-G-A.
Other names: c.788C>T, p.Pro263Leu (NM_001083899.2); c.730C>T, p.Arg244Cys (NM_001256017.2); short protein forms R244C, P263L, R262C.
Identifiers: ClinVar variation 2085869 (VCV002085869.2), dbSNP rs540599440, ClinGen allele CA310122002.

ClinVar aggregate classification (germline): Uncertain significance. Review status: criteria provided, multiple submitters, no conflicts (2 of 4 stars). 2 submissions from 2 submitters: Uncertain significance (2). Last evaluated 2022-07-11.

Conditions:
Inborn genetic diseases. Identifiers: MedGen C0950123, MeSH D030342.

Allele frequency attached by ClinVar (database versions not stated): ExAC 0.00018; TOPMed 0.00032; gnomAD 0.00040; 1000 Genomes Project 30x 0.00047; 1000 Genomes Project 0.00060.
gnomAD v4.1: 164 of 1,560,214 alleles (0.011%); highest among the groups gnomAD compares: African/African-American, 0.11%; no homozygotes.

Submissions (2):

Labcorp Genetics (formerly Invitae), Labcorp
Classification: Uncertain significance. Last evaluated: 2022-07-11. Review status: criteria provided, single submitter. Criteria: Invitae Variant Classification Sherloc (09022015). Collection method: clinical testing. Allele origin: germline.
Comment: This sequence change replaces proline, which is neutral and non-polar, with leucine, which is neutral and non-polar, at codon 263 of the GP6 protein (p.Pro263Leu). This variant is present in population databases (rs540599440, gnomAD 0.1%). This variant has not been reported in the literature in individuals affected with GP6-related conditions. Algorithms developed to predict the effect of missense changes on protein structure and function output the following: SIFT: "Deleterious"; PolyPhen-2: "Benign"; Align-GVGD: "Class C0". The leucine amino acid residue is found in multiple mammalian species, which suggests that this missense change does not adversely affect protein function. In summary, the available evidence is currently insufficient to determine the role of this variant in disease. Therefore, it has been classified as a Variant of Uncertain Significance.

Ambry Genetics
Classification: Uncertain significance for Inborn genetic diseases. Last evaluated: 2021-09-01. Review status: criteria provided, single submitter. Criteria: Ambry Variant Classification Scheme 2023. Collection method: clinical testing. Allele origin: germline.